The following is an entry in ClinVar:

NM_182961.4(SYNE1):c.21199C>G (p.Leu7067Val)

Gene: SYNE1 (spectrin repeat containing nuclear envelope protein 1; minus strand). Cytogenetic location: 6q25.2.
Variant type: single nucleotide variant.
Coding change: c.21199C>G on transcript NM_182961.4 (MANE Select); coding-DNA position 21199, C replaced by G.
Protein change: p.Leu7067Val; replaces leucine 7067 with valine.
Molecular consequence: missense variant.
Genome position (GRCh38, 1-based): chr6:152,225,873, G>C on the plus strand (C>G on the coding strand, the complement: SYNE1 is on the minus strand). VCF-style: chr6-152225873-G-C. GRCh37 (hg19) VCF-style: chr6-152547008-G-C.
Other names: c.20986C>G, p.Leu6996Val (NM_033071.5); c.20986C>G (NM_033071.3); short protein forms L7067V, L6996V.
Identifiers: ClinVar variation 1461977 (VCV001461977.8), dbSNP rs749058571, ClinGen allele CA4054217.

ClinVar aggregate classification (germline): Uncertain significance. Review status: criteria provided, multiple submitters, no conflicts (2 of 4 stars). 2 submissions from 2 submitters: Uncertain significance (2). Last evaluated 2023-09-13.

Conditions:
Autosomal recessive ataxia, Beauce type. Also called: SYNE1-Related Autosomal Recessive Cerebellar Ataxia; Spinocerebellar ataxia, autosomal recessive 8; ATAXIA, RECESSIVE, OF BEAUCE; SYNE1 Deficiency. Identifiers: Orphanet 88644, MedGen C1853116, MONDO:0012549, OMIM 610743.
Emery-Dreifuss muscular dystrophy 4, autosomal dominant (EDMD4). Also called: EMERY-DREIFUSS MUSCULAR DYSTROPHY 4 WITH VARIABLE FEATURES. Identifiers: Orphanet 261, MedGen C2751807, MONDO:0013071, OMIM 612998.

Allele frequency attached by ClinVar (database versions not stated): gnomAD exomes 0.00001; ExAC 0.00002.
gnomAD v4.1: 12 of 1,612,406 alleles (0.00074%); highest among the groups gnomAD compares: South Asian, 0.013%; no homozygotes.

Submissions (2):

Women's Health and Genetics/Laboratory Corporation of America, LabCorp
Classification: Uncertain significance. Last evaluated: 2023-09-13. Review status: criteria provided, single submitter. Criteria: LabCorp Variant Classification Summary - May 2015. Collection method: clinical testing. Allele origin: germline.
Comment: Variant summary: SYNE1 c.20986C>G (p.Leu6996Val) results in a conservative amino acid change located in a Spectrin repeat (IPR002017) of the encoded protein sequence. Three of five in-silico tools predict a benign effect of the variant on protein function. The variant allele was found at a frequency of 1.2e-05 in 249770 control chromosomes. The available data on variant occurrences in the general population are insufficient to allow any conclusion about variant significance. To our knowledge, no occurrence of c.20986C>G in individuals affected with Emery-Dreifuss Muscular Dystrophy 4, Autosomal Dominant and no experimental evidence demonstrating its impact on protein function have been reported. One submitter has cited clinical-significance assessments for this variant to ClinVar after 2014 and has classified the variant as uncertain significance. Based on the evidence outlined above, the variant was classified as uncertain significance.

Labcorp Genetics (formerly Invitae), Labcorp
Classification: Uncertain significance for Emery-Dreifuss muscular dystrophy 4, autosomal dominant; Autosomal recessive ataxia, Beauce type. Last evaluated: 2021-04-14. Review status: criteria provided, single submitter. Criteria: Invitae Variant Classification Sherloc (09022015). Collection method: clinical testing. Allele origin: germline.
Comment: This sequence change replaces leucine with valine at codon 6996 of the SYNE1 protein (p.Leu6996Val). The leucine residue is highly conserved and there is a small physicochemical difference between leucine and valine. This variant is present in population databases (rs749058571, ExAC 0.01%). This variant has not been reported in the literature in individuals with SYNE1-related conditions. Algorithms developed to predict the effect of missense changes on protein structure and function (SIFT, PolyPhen-2, Align-GVGD) all suggest that this variant is likely to be disruptive, but these predictions have not been confirmed by published functional studies and their clinical significance is uncertain. In summary, the available evidence is currently insufficient to determine the role of this variant in disease. Therefore, it has been classified as a Variant of Uncertain Significance.